The following is an entry in ClinVar:

ClinVar aggregate classification (germline): Pathogenic (1 of 4 stars; one submission).

Conditions:
Hereditary cancer-predisposing syndrome. Also called: Tumor predisposition; Neoplastic Syndromes, Hereditary; Hereditary Cancer Syndrome; Hereditary neoplastic syndrome. Identifiers: Orphanet 140162, MedGen C0027672, MeSH D009386, MONDO:0015356.

Submission:

Ambry Genetics
Classification: Pathogenic for Hereditary cancer-predisposing syndrome. Last evaluated: 2025-02-12. Review status: criteria provided, single submitter. Criteria: Ambry Variant Classification Scheme 2023. Collection method: clinical testing. Allele origin: germline.
Comment: The c.2051delT pathogenic mutation, located in coding exon 4 of the MSH6 gene, results from a deletion of one nucleotide at nucleotide position 2051, causing a translational frameshift with a predicted alternate stop codon (p.L684Qfs*52). This variant is considered to be rare based on population cohorts in the Genome Aggregation Database (gnomAD). This alteration is expected to result in loss of function by premature protein truncation or nonsense-mediated mRNA decay. As such, this alteration is interpreted as a disease-causing mutation.

NM_000179.3(MSH6):c.2051del (p.Leu684fs)

Gene: MSH6 (mutS homolog 6; plus strand). Cytogenetic location: 2p16.3.
Variant type: Deletion.
Coding change: c.2051del on transcript NM_000179.3 (MANE Select); coding-DNA position 2051, one base deleted (T; older notation c.2051delT).
Protein change: p.Leu684fs; shifts the reading frame from leucine 684.
Molecular consequence: frameshift variant. On other transcripts: non-coding transcript variant (5), intron variant (2).
Genome position (GRCh38, 1-based): chr2:47,800,034, T deleted. VCF-style (leftmost placement, unchanged base first): chr2-47800033-CT-C. GRCh37 (hg19) VCF-style: chr2-48027172-CT-C.
Other names: c.1661del, p.Leu554fs (NM_001281492.2); c.1145del, p.Leu382fs (NM_001281493.2, NM_001281494.2, NM_001406811.1 and 6 more transcripts); c.2147del, p.Leu716fs (NM_001406795.1, NM_001406802.1); c.2051del, p.Leu684fs (NM_001406796.1, NM_001406798.1, NM_001406800.1 and 3 more transcripts); c.1754del, p.Leu585fs (NM_001406797.1, NM_001406801.1, NM_001406805.1 and 10 more transcripts); c.1526del, p.Leu509fs (NM_001406799.1, NM_001406806.1, NM_001406807.1); c.1973del, p.Leu658fs (NM_001406804.1); c.2057del, p.Leu686fs (NM_001406813.1); and 3 more; short protein forms L554fs, L658fs, L716fs, L585fs, L382fs, L684fs, L686fs, L509fs.
Identifiers: ClinVar variation 3875084 (VCV003875084.1).